The following is an entry in ClinVar:

NM_181712.5(KANK4):c.445G>A (p.Glu149Lys)

Gene: KANK4 (KN motif and ankyrin repeat domains 4; minus strand). Cytogenetic location: 1p31.3.
Variant type: single nucleotide variant.
Coding change: c.445G>A on transcript NM_181712.5 (MANE Select); coding-DNA position 445, G replaced by A.
Protein change: p.Glu149Lys; replaces glutamic acid 149 with lysine.
Molecular consequence: missense variant. On other transcripts: intron variant (1).
Genome position (GRCh38, 1-based): chr1:62,274,659, C>T on the plus strand (G>A on the coding strand, the complement: KANK4 is on the minus strand). VCF-style: chr1-62274659-C-T. GRCh37 (hg19) VCF-style: chr1-62740331-C-T.
Other names: c.17-3070G>A (NM_001320269.2); short protein forms E149K.
Identifiers: ClinVar variation 2716213 (VCV002716213.3), dbSNP rs749518503, ClinGen allele CA884572.
Genomic context (GRCh38, chr1:62,274,659, plus strand): 5'-GCGTGGCAGGCATGCTGGATGCTCTCAAGAGCTGGGGCCGTCCACTCCCAAAAGTGAGCT[C>T]GGCATCCTCTGGCTCAGCAGCTTCCAACTGTCTGGTGGCCTCTGCCAACAGAGCCTTCCT-3'
Protein context (NP_859063.3, residues 139-159): QLEAAEPEDA[Glu149Lys]LTFGSGRPQL

ClinVar aggregate classification (germline): Uncertain significance (1 of 4 stars; one submission).

Allele frequency attached by ClinVar (database versions not stated): ExAC 0.00004; gnomAD 0.00004; gnomAD exomes 0.00004; TOPMed 0.00005.
gnomAD v4.1: 66 of 1,614,062 alleles (0.0041%); highest among the groups gnomAD compares: Admixed American, 0.0083%; no homozygotes.

Submission:

Labcorp Genetics (formerly Invitae), Labcorp
Classification: Uncertain significance. Last evaluated: 2025-03-27. Review status: criteria provided, single submitter. Criteria: Invitae Variant Classification Sherloc (09022015). Collection method: clinical testing. Allele origin: germline.
Comment: This sequence change replaces glutamic acid, which is acidic and polar, with lysine, which is basic and polar, at codon 149 of the KANK4 protein (p.Glu149Lys). This variant is present in population databases (rs749518503, gnomAD 0.01%). This variant has not been reported in the literature in individuals affected with KANK4-related conditions. ClinVar contains an entry for this variant (Variation ID: 2716213). An algorithm developed to predict the effect of missense changes on protein structure and function (PolyPhen-2) suggests that this variant is likely to be tolerated. In summary, the available evidence is currently insufficient to determine the role of this variant in disease. Therefore, it has been classified as a Variant of Uncertain Significance.